The following is an entry in ClinVar:

NM_032119.4(ADGRV1):c.2781T>C (p.Ser927=)

Gene: ADGRV1 (adhesion G protein-coupled receptor V1; plus strand). Cytogenetic location: 5q14.3.
Variant type: single nucleotide variant.
Coding change: c.2781T>C on transcript NM_032119.4 (MANE Select); coding-DNA position 2781, T replaced by C.
Protein change: p.Ser927=; no amino-acid change (serine 927 retained).
Molecular consequence: synonymous variant. On other transcripts: non-coding transcript variant (1).
Genome position (GRCh38, 1-based): chr5:90,644,752, T>C. VCF-style: chr5-90644752-T-C. GRCh37 (hg19) VCF-style: chr5-89940569-T-C.
Other names: c.2781T>C (NM_032119.3).
Identifiers: ClinVar variation 1156384 (VCV001156384.11), dbSNP rs369536913, ClinGen allele CA3339020.

ClinVar aggregate classification (germline): Likely benign. Review status: criteria provided, multiple submitters, no conflicts (2 of 4 stars). 3 submissions from 3 submitters: Likely benign (3). Last evaluated 2026-03-20.

Conditions:
ADGRV1-related disorder. Also called: ADGRV1-related disorders; ADGRV1-related condition.

Allele frequency attached by ClinVar (database versions not stated): gnomAD exomes 0.00003 and 0.00005; ExAC 0.00007; gnomAD 0.00019 and 0.00021; TOPMed 0.00021; ESP Exome Variant Server 0.00033.
gnomAD v4.1: 66 of 1,611,528 alleles (0.0041%); highest among the groups gnomAD compares: African/African-American, 0.084%; no homozygotes.

Submissions (3):

PreventionGenetics, part of Exact Sciences
Classification: Likely benign for ADGRV1-related condition. Last evaluated: 2026-03-20. Review status: criteria provided, single submitter. Criteria: ACMG Guidelines, 2015. Collection method: clinical testing. Allele origin: germline.
Comment: This variant is classified as likely benign based on ACMG/AMP sequence variant interpretation guidelines (Richards et al. 2015 PMID: 25741868, with internal and published modifications).

Labcorp Genetics (formerly Invitae), Labcorp
Classification: Likely benign. Last evaluated: 2026-01-20. Review status: criteria provided, single submitter. Criteria: Invitae Variant Classification Sherloc (09022015). Collection method: clinical testing. Allele origin: germline.

Blueprint Genetics
Classification: Likely benign. Last evaluated: 2024-05-23. Review status: criteria provided, single submitter. Criteria: ACMG Guidelines, 2015. Collection method: clinical testing. Allele origin: germline.